The following is an entry in ClinVar:

ClinVar aggregate classification (germline): Uncertain significance (1 of 4 stars; one submission).

Submission:

GeneDx
Classification: Uncertain significance. Last evaluated: 2022-07-24. Review status: criteria provided, single submitter. Criteria: GeneDx Variant Classification Process June 2021. Collection method: clinical testing. Allele origin: germline. Affected: yes.
Comment: Not observed at significant frequency in large population cohorts (gnomAD); Missense variants in this gene are often considered pathogenic (HGMD); In silico analysis supports that this missense variant has a deleterious effect on protein structure/function; Has not been previously published as pathogenic or benign to our knowledge

NM_006009.4(TUBA1A):c.1056G>C (p.Lys352Asn)

Gene: TUBA1A (tubulin alpha 1a; minus strand). Cytogenetic location: 12q13.12.
Variant type: single nucleotide variant.
Coding change: c.1056G>C on transcript NM_006009.4 (MANE Select); coding-DNA position 1056, G replaced by C.
Protein change: p.Lys352Asn; replaces lysine 352 with asparagine.
Molecular consequence: missense variant.
Genome position (GRCh38, 1-based): chr12:49,185,310, C>G on the plus strand (G>C on the coding strand, the complement: TUBA1A is on the minus strand). VCF-style: chr12-49185310-C-G. GRCh37 (hg19) VCF-style: chr12-49579093-C-G.
Other names: c.1056G>C, p.Lys352Asn (NM_001270399.2); c.951G>C, p.Lys317Asn (NM_001270400.2); short protein forms K317N, K352N.
Identifiers: ClinVar variation 2412886 (VCV002412886.3), dbSNP rs1942166800, ClinGen allele CA384636540.